The following is an entry in ClinVar:

NM_014845.6(FIG4):c.2449A>G (p.Ile817Val)

Gene: FIG4 (FIG4 phosphoinositide 5-phosphatase; plus strand). Cytogenetic location: 6q21.
Variant type: single nucleotide variant.
Coding change: c.2449A>G on transcript NM_014845.6 (MANE Select); coding-DNA position 2449, A replaced by G.
Protein change: p.Ile817Val; replaces isoleucine 817 with valine.
Molecular consequence: missense variant.
Genome position (GRCh38, 1-based): chr6:109,792,654, A>G. VCF-style: chr6-109792654-A-G. GRCh37 (hg19) VCF-style: chr6-110113857-A-G.
Other names: c.2449A>G (NM_014845.5); short protein forms I817V.
Identifiers: ClinVar variation 1391475 (VCV001391475.7), dbSNP rs781056036, ClinGen allele CA3956398.

ClinVar aggregate classification (germline): Uncertain significance. Review status: criteria provided, multiple submitters, no conflicts (2 of 4 stars). 4 submissions from 4 submitters: Uncertain significance (4). Last evaluated 2026-03-10.

Conditions:
Charcot-Marie-Tooth disease type 4. Also called: Charcot-Marie-Tooth disease, type IV; Charcot-Marie-Tooth, Type 4. Identifiers: Orphanet 64749, MedGen C4082197, MONDO:0018995.
FIG4-related disorder. Also called: FIG4-related condition; FIG4-related disorders.

Allele frequency attached by ClinVar (database versions not stated): ExAC 0.00001; gnomAD exomes 0.00001 and 0.00002; TOPMed 0.00011.
gnomAD v4.1: 19 of 1,567,772 alleles (0.0012%); highest among the groups gnomAD compares: African/African-American, 0.022%; no homozygotes.

Submissions (4):

PreventionGenetics, part of Exact Sciences
Classification: Uncertain significance for FIG4-related condition. Last evaluated: 2026-03-10. Review status: criteria provided, single submitter. Criteria: ACMG Guidelines, 2015. Collection method: clinical testing. Allele origin: germline.
Comment: The FIG4 c.2449A>G variant is predicted to result in the amino acid substitution p.Ile817Val. To our knowledge, this variant has not been reported in the literature. This variant is reported in 0.032% of alleles in individuals of African descent in gnomAD. At this time, the clinical significance of this variant is uncertain due to the absence of conclusive functional and genetic evidence.

Athena Diagnostics
Classification: Uncertain significance. Last evaluated: 2024-08-20. Review status: criteria provided, single submitter. Criteria: Athena Diagnostics Criteria. Collection method: clinical testing. Allele origin: unknown.
Comment: Available data are insufficient to determine the clinical significance of the variant at this time. The frequency of this variant in the general population is uninformative in assessment of its pathogenicity. Polyphen and MutationTaster predict this amino acid change may be benign.

Revvity Omics, Revvity
Classification: Uncertain significance. Last evaluated: 2022-09-15. Review status: criteria provided, single submitter. Criteria: ACMG Guidelines, 2015. Collection method: clinical testing. Allele origin: germline.

Labcorp Genetics (formerly Invitae), Labcorp
Classification: Uncertain significance for Charcot-Marie-Tooth disease type 4. Last evaluated: 2022-08-23. Review status: criteria provided, single submitter. Criteria: Invitae Variant Classification Sherloc (09022015). Collection method: clinical testing. Allele origin: germline.
Comment: This sequence change replaces isoleucine, which is neutral and non-polar, with valine, which is neutral and non-polar, at codon 817 of the FIG4 protein (p.Ile817Val). This variant is present in population databases (rs781056036, gnomAD 0.03%). This variant has not been reported in the literature in individuals affected with FIG4-related conditions. ClinVar contains an entry for this variant (Variation ID: 1391475). Algorithms developed to predict the effect of missense changes on protein structure and function output the following: SIFT: "Tolerated"; PolyPhen-2: "Benign"; Align-GVGD: "Class C0". The valine amino acid residue is found in multiple mammalian species, which suggests that this missense change does not adversely affect protein function. In summary, the available evidence is currently insufficient to determine the role of this variant in disease. Therefore, it has been classified as a Variant of Uncertain Significance.